The following is an entry in ClinVar:

NM_018344.6(SLC29A3):c.815G>A (p.Gly272Asp)

Gene: SLC29A3 (solute carrier family 29 member 3; plus strand). Cytogenetic location: 10q22.1.
Variant type: single nucleotide variant.
Coding change: c.815G>A on transcript NM_018344.6 (MANE Select); coding-DNA position 815, G replaced by A.
Protein change: p.Gly272Asp; replaces glycine 272 with aspartic acid.
Molecular consequence: missense variant. On other transcripts: non-coding transcript variant (2), 3 prime UTR variant (1).
Genome position (GRCh38, 1-based): chr10:71,361,995, G>A. VCF-style: chr10-71361995-G-A. GRCh37 (hg19) VCF-style: chr10-73121752-G-A.
Other names: c.*44G>A (NM_001174098.2); c.581G>A, p.Gly194Asp (NM_001363518.2); short protein forms G194D, G272D.
Identifiers: ClinVar variation 1968846 (VCV001968846.3), dbSNP rs778785669, ClinGen allele CA5543061.
Genomic context (GRCh38, chr10:71,361,995, plus strand): 5'-CCCTGTCTCCTCCCTGCAGGTACTACATGAGGCCTGTTCTTGCGGCCCATGTGTTTTCTG[G>A]TGAAGAGGAGCTTCCCCAGGACTCCCTCAGTGCCCCTTCGGTGGCCTCCAGATTCATTGA-3'
Protein context (NP_060814.4, residues 262-282): RPVLAAHVFS[Gly272Asp]EEELPQDSLS

ClinVar aggregate classification (germline): Uncertain significance (1 of 4 stars; one submission).

Conditions:
H syndrome. Also called: Histiocytosis with joint contractures and sensorineural deafness; FAISALABAD HISTIOCYTOSIS; Asrar Facharzt Haque syndrome; HISTIOCYTOSIS AND LYMPHADENOPATHY WITH OR WITHOUT CUTANEOUS, CARDIAC, AND/OR ENDOCRINE FEATURES, JOINT CONTRACTURES, AND/OR DEAFNESS; HYPERPIGMENTATION, CUTANEOUS, WITH HYPERTRICHOSIS, HEPATOSPLENOMEGALY, HEART ANOMALIES, AND HYPOGONADISM WITH OR WITHOUT HEARING LOSS; PIGMENTED HYPERTRICHOSIS WITH INSULIN-DEPENDENT DIABETES MELLITUS. Identifiers: Orphanet 168569, MedGen C1864445, MONDO:0011273, OMIM 602782.

Allele frequency attached by ClinVar (database versions not stated): gnomAD exomes 0.00001; ExAC 0.00002.

Submission:

Labcorp Genetics (formerly Invitae), Labcorp
Classification: Uncertain significance for H syndrome. Last evaluated: 2022-04-02. Review status: criteria provided, single submitter. Criteria: Invitae Variant Classification Sherloc (09022015). Collection method: clinical testing. Allele origin: germline.
Comment: This sequence change replaces glycine, which is neutral and non-polar, with aspartic acid, which is acidic and polar, at codon 272 of the SLC29A3 protein (p.Gly272Asp). In summary, the available evidence is currently insufficient to determine the role of this variant in disease. Therefore, it has been classified as a Variant of Uncertain Significance. Algorithms developed to predict the effect of missense changes on protein structure and function (SIFT, PolyPhen-2, Align-GVGD) all suggest that this variant is likely to be tolerated. This variant has not been reported in the literature in individuals affected with SLC29A3-related conditions. This variant is present in population databases (rs778785669, gnomAD 0.03%), including at least one homozygous and/or hemizygous individual.